The following is an entry in ClinVar:

ClinVar aggregate classification (germline): Conflicting classifications of pathogenicity. Review status: criteria provided, conflicting classifications (1 of 4 stars). 9 submissions from 9 submitters: Uncertain significance (1); Benign (4); Likely benign (3). 1 of the submissions does not count toward it. Last evaluated 2026-03-01.

Conditions:
Neonatal-onset encephalopathy with rigidity and seizures. Also called: Lethal neonatal spasticity-epileptic encephalopathy syndrome. Identifiers: Orphanet 435845, MedGen C3281029, MONDO:0013784, OMIM 614498.
Intellectual disability. Also called: Intellectual developmental disorder; Intellectual functioning disability; intellectual disabilities. Identifiers: MedGen C3714756, MeSH D008607, MONDO:0001071, HP:0001249.

Allele frequency attached by ClinVar (database versions not stated): 1000 Genomes Project 30x 0.00109; 1000 Genomes Project 0.00120; TOPMed 0.00228; gnomAD 0.00248 and 0.00249; ExAC 0.00288; gnomAD exomes 0.00292; ESP Exome Variant Server 0.00317.
gnomAD v4.1: 6,446 of 1,609,228 alleles (0.4%); highest among the groups gnomAD compares: Non-Finnish European, 0.47%; 29 homozygotes.

Submissions (9):

CeGaT Center for Human Genetics Tuebingen
Classification: Likely benign. Last evaluated: 2026-03-01. Review status: criteria provided, single submitter. Criteria: CeGaT Center For Human Genetics Tuebingen Variant Classification Criteria Version 2. Collection method: clinical testing. Allele origin: germline. Affected: yes. Observed: 18 variant alleles.
Comment: BRAT1: BP4, BS2

Labcorp Genetics (formerly Invitae), Labcorp
Classification: Benign for Neonatal-onset encephalopathy with rigidity and seizures. Last evaluated: 2026-02-02. Review status: criteria provided, single submitter. Criteria: Invitae Variant Classification Sherloc (09022015). Collection method: clinical testing. Allele origin: germline.

ARUP Laboratories, Molecular Genetics and Genomics, ARUP Laboratories
Classification: Likely benign. Last evaluated: 2025-05-06. Review status: criteria provided, single submitter. Criteria: ARUP Molecular Germline Variant Investigation Process 2024. Collection method: clinical testing. Allele origin: germline.

Blueprint Genetics
Classification: Likely benign. Last evaluated: 2024-11-25. Review status: criteria provided, single submitter. Criteria: ACMG Guidelines, 2015. Collection method: clinical testing. Allele origin: germline.

Mayo Clinic Laboratories, Mayo Clinic
Classification: Benign. Last evaluated: 2023-06-08. Review status: criteria provided, single submitter. Criteria: ACMG Guidelines, 2015. Collection method: clinical testing. Allele origin: germline. Observed: 3 variant alleles.
Comment: BS1, BS2, BP4

GeneDx
Classification: Benign. Last evaluated: 2018-10-15. Review status: criteria provided, single submitter. Criteria: GeneDx Variant Classification Process June 2021. Collection method: clinical testing. Allele origin: germline. Affected: yes.

Athena Diagnostics
Classification: Benign. Last evaluated: 2018-07-13. Review status: criteria provided, single submitter. Criteria: Athena Diagnostics Criteria. Collection method: clinical testing. Allele origin: germline.

Center for Pediatric Genomic Medicine, Children's Mercy Hospital and Clinics
Classification: Uncertain significance. Last evaluated: 2017-04-10. Review status: criteria provided, single submitter. Criteria: ACMG Guidelines, 2015. Collection method: clinical testing. Allele origin: germline.

Centre de Biologie Pathologie Génétique, Centre Hospitalier Universitaire de Lille
Classification: Likely benign for Intellectual disability. Last evaluated: 2019-01-01. Review status: no assertion criteria provided. Collection method: clinical testing. Allele origin: inherited. Affected: yes. Not counted in ClinVar's aggregate classification.

Literature cited by the submitters: PubMed 32032478 (cited by Mayo Clinic Laboratories, Mayo Clinic).

NM_152743.4(BRAT1):c.2353C>T (p.Arg785Trp)

Gene: BRAT1 (BRCA1 associated ATM activator 1; minus strand). Cytogenetic location: 7p22.3.
Variant type: single nucleotide variant.
Coding change: c.2353C>T on transcript NM_152743.4 (MANE Select); coding-DNA position 2353, C replaced by T.
Protein change: p.Arg785Trp; replaces arginine 785 with tryptophan.
Molecular consequence: missense variant. On other transcripts: non-coding transcript variant (1).
Genome position (GRCh38, 1-based): chr7:2,538,182, G>A on the plus strand (C>T on the coding strand, the complement: BRAT1 is on the minus strand). VCF-style: chr7-2538182-G-A. GRCh37 (hg19) VCF-style: chr7-2577816-G-A.
Other names: p.Arg785Trp; c.2533C>T, p.Arg845Trp (NM_001350626.2); c.1828C>T, p.Arg610Trp (NM_001350627.2); short protein forms R785W, R610W, R845W.
Identifiers: ClinVar variation 445886 (VCV000445886.61), dbSNP rs61729932, ClinGen allele CA4127382.